The following is an entry in ClinVar:

NM_177402.5(SYT2):c.54del (p.Thr19fs)

Gene: SYT2 (synaptotagmin 2; minus strand). Cytogenetic location: 1q32.1.
Variant type: Deletion.
Coding change: c.54del on transcript NM_177402.5 (MANE Select); coding-DNA position 54, one base deleted (C; older notation c.54delC).
Protein change: p.Thr19fs; shifts the reading frame from threonine 19.
Molecular consequence: frameshift variant.
Genome position (GRCh38, 1-based): chr1:202,605,719, G deleted on the plus strand (C on the coding strand, the reverse complement: SYT2 is on the minus strand); the first of 2 consecutive G bases (chr1:202,605,719-202,605,720); deleting either gives the same sequence. VCF-style (leftmost placement, unchanged base first): chr1-202605718-TG-T. GRCh37 (hg19) VCF-style: chr1-202574846-TG-T.
Other names: c.54del, p.Thr19fs (NM_001136504.1); short protein forms T19fs.
Identifiers: ClinVar variation 3767275 (VCV003767275.1).

ClinVar aggregate classification (germline): Likely pathogenic (0 of 4 stars; one submission).

Conditions:
Congenital myasthenic syndrome (CMS). Also called: Congenital Myasthenic Syndromes. Identifiers: Orphanet 590, MedGen C0751882, MeSH D020294, MONDO:0018940.

Submission:

Department of Molecular Biology and Genetics, Al-Quds University
Classification: Likely pathogenic for Congenital myasthenic syndrome. Last evaluated: 2025-01-16. Review status: no assertion criteria provided. Collection method: clinical testing. Allele origin: inherited. Affected: yes. Observed: 1 variant allele.
Comment: This sequence change (c.54del) results in a frameshift mutation (p.Lys19Asnfs10) in the SYT2 gene. The frameshift creates a premature stop codon, which is expected to cause loss of function via nonsense-mediated decay. This variant is absent from population databases (gnomAD) and has not been reported in the literature. The most common symptoms that were observed in patients with this variant are dysphagia, muscle weakness and recurrent respiratory infections